The following is an entry in ClinVar:

NM_001123385.2(BCOR):c.3665_3669dup (p.Ala1224fs)

Gene: BCOR (BCL6 corepressor; minus strand). Cytogenetic location: Xp11.4.
Variant type: Duplication.
Coding change: c.3665_3669dup on transcript NM_001123385.2 (MANE Select); coding-DNA positions 3665 to 3669, 5 bases duplicated (TGTCG; older notation c.3665_3669dupTGTCG).
Protein change: p.Ala1224fs; shifts the reading frame from alanine 1224.
Molecular consequence: frameshift variant.
Genome position (GRCh38, 1-based): chrX:40,063,786-40,063,790, CGACA duplicated on the plus strand (TGTCG on the coding strand, the reverse complement: BCOR is on the minus strand); duplicating any 5 consecutive bases within chrX:40,063,786-40,063,791 gives the same sequence; the c. name uses the placement nearest the transcript's 3' end. VCF-style (leftmost placement, unchanged base first): chrX-40063785-C-CCGACA. GRCh37 (hg19) VCF-style: chrX-39923038-C-CCGACA.
Other names: c.3562_3566dup, p.Ala1190Cysfs (NM_001123383.2); c.3509_3513dup, p.Ala1172fs (NM_001123384.2); c.3563_3567dup, p.Ala1190fs (NM_017745.6); short protein forms A1172fs, A1190fs, A1224fs.
Identifiers: ClinVar variation 3647195 (VCV003647195.2).

ClinVar aggregate classification (germline): Pathogenic (1 of 4 stars; one submission).

Conditions:
Oculofaciocardiodental syndrome (MCOPS2). Identifiers: Orphanet 2712, MedGen C1846265, MONDO:0010261, OMIM 300166.

Submission:

Labcorp Genetics (formerly Invitae), Labcorp
Classification: Pathogenic for Oculofaciocardiodental syndrome. Last evaluated: 2024-03-21. Review status: criteria provided, single submitter. Criteria: Invitae Variant Classification Sherloc (09022015). Collection method: clinical testing. Allele origin: germline.
Comment: This sequence change creates a premature translational stop signal (p.Ala1190Cysfs*16) in the BCOR gene. It is expected to result in an absent or disrupted protein product. Loss-of-function variants in BCOR are known to be pathogenic (PMID: 15004558, 19367324). This variant is not present in population databases (gnomAD no frequency). This variant has not been reported in the literature in individuals affected with BCOR-related conditions. For these reasons, this variant has been classified as Pathogenic.

Literature cited by the submitters: PubMed 15004558; PubMed 19367324.